The following is an entry in ClinVar:

ClinVar aggregate classification (germline): Uncertain significance. Review status: criteria provided, multiple submitters, no conflicts (2 of 4 stars). 2 submissions from 2 submitters: Uncertain significance (2). Last evaluated 2025-07-12.

Conditions:
GNA14-related congenital vascular tumors.

gnomAD v4.1: 2 of 1,614,008 alleles (0.00012%); highest among the groups gnomAD compares: African/African-American, 0.0027%; no homozygotes.

Submissions (2):

Clinical Genomics Laboratory, Washington University in St. Louis
Classification: Uncertain significance for GNA14-related congenital vascular tumors. Last evaluated: 2025-07-12. Review status: criteria provided, single submitter. Criteria: ACMG Guidelines, 2015. Collection method: clinical testing. Allele origin: germline.
Comment: A GNA14 c.227A>G (p.Tyr76Cys) variant was identified at heterozygous allelic fraction of 50.7%, a frequency which may be consistent with it being of germline origin. To our knowledge, it has not been reported in the medical literature but has been reported in the ClinVar database as a germline variant of uncertain significance by one submitter (ClinVar ID: 3281749). This variant is only observed on 2/1,614,008 alleles in the general population (gnomAD v4.1.0), indicating it is not a common variant. Computational predictors indicate that the variant is damaging, evidence that correlates with impact to GNA14 function. Due to limited information, and based on ACMG/AMP guidelines for variant interpretation (Richards S et al., PMID: 25741868), the clinical significance of this variant is uncertain at this time.

Ambry Genetics
Classification: Uncertain significance. Last evaluated: 2024-04-23. Review status: criteria provided, single submitter. Criteria: Ambry Variant Classification Scheme 2023. Collection method: clinical testing. Allele origin: germline.

NM_004297.4(GNA14):c.227A>G (p.Tyr76Cys)

Gene: GNA14 (G protein subunit alpha 14; minus strand). Cytogenetic location: 9q21.2.
Variant type: single nucleotide variant.
Coding change: c.227A>G on transcript NM_004297.4 (MANE Select); coding-DNA position 227, A replaced by G.
Protein change: p.Tyr76Cys; replaces tyrosine 76 with cysteine.
Molecular consequence: missense variant.
Genome position (GRCh38, 1-based): chr9:77,529,151, T>C on the plus strand (A>G on the coding strand, the complement: GNA14 is on the minus strand). VCF-style: chr9-77529151-T-C. GRCh37 (hg19) VCF-style: chr9-80144067-T-C.
Other names: short protein forms Y76C.
Identifiers: ClinVar variation 3281749 (VCV003281749.2).
Genomic context (GRCh38, chr9:77,529,151, plus strand): 5'-TGTATCCTTAGCGTGTCCATCGCTCTGATCATGGCTTGCATGGCGGTGAATATGTTTTGG[T>C]AAACCAGCTTCGTGAACCCCTTTCTGTCTTCGTCGCTGTAACCAGACCCATGGATAATTC-3'
Protein context (NP_004288.1, residues 66-86): EDRKGFTKLV[Tyr76Cys]QNIFTAMQAM